The following is an entry in ClinVar:

NM_000404.4(GLB1):c.1792C>T (p.Gln598Ter)

Gene: GLB1 (galactosidase beta 1; minus strand). Cytogenetic location: 3p22.3.
Variant type: single nucleotide variant.
Coding change: c.1792C>T on transcript NM_000404.4 (MANE Select); coding-DNA position 1792, C replaced by T.
Protein change: p.Gln598Ter; replaces glutamine 598 with a stop codon.
Molecular consequence: nonsense. On other transcripts: intron variant (1).
Genome position (GRCh38, 1-based): chr3:32,997,287, G>A on the plus strand (C>T on the coding strand, the complement: GLB1 is on the minus strand). VCF-style: chr3-32997287-G-A. GRCh37 (hg19) VCF-style: chr3-33038779-G-A.
Other names: c.1702C>T, p.Gln568Ter (NM_001079811.3); c.1399C>T, p.Gln467Ter (NM_001135602.3); c.1936C>T, p.Gln646Ter (NM_001317040.2); c.1734+16769C>T (NM_001393580.1); c.1792C>T (NM_000404.3); short protein forms Q568*, Q646*, Q467*, Q598*.
Identifiers: ClinVar variation 3589131 (VCV003589131.2).

ClinVar aggregate classification (germline): Likely pathogenic. Review status: criteria provided, multiple submitters, no conflicts (2 of 4 stars). 2 submissions from 2 submitters: Likely pathogenic (2). Last evaluated 2024-06-25.

Conditions:
Infantile GM1 gangliosidosis. Also called: GM1-gangliosidosis, type I; Gangliosidosis, generalized GM1, infantile form; GLB1 deficiency; GM1 gangliosidosis type 1; Gangliosidosis, Generalized GM1, Type 1. Identifiers: Orphanet 354, Orphanet 79255, MedGen C0268271, MONDO:0009260, OMIM 230500.
GM1 gangliosidosis type 2. Also called: Juvenile GM>1< gangliosidosis; GM1-GANGLIOSIDOSIS, TYPE II; GANGLIOSIDOSIS, GENERALIZED GM1, JUVENILE TYPE; GANGLIOSIDOSIS, GENERALIZED GM1, TYPE II; Gangliosidosis, Generalized GM1, Type 2. Identifiers: Orphanet 354, Orphanet 79256, MedGen C0268272, MONDO:0009261, OMIM 230600.
Mucopolysaccharidosis, MPS-IV-B (MPS4B). Also called: Mucopolysaccharidosis Type IVB; MORQUIO SYNDROME B; Mucopolysaccharidosis type 4B; Mucopolysaccharidosis type IVB (Morquio); MPS IVB; Mucopolysaccharidosis type IV B. Identifiers: Orphanet 309310, Orphanet 582, MedGen C0086652, MONDO:0009660, OMIM 253010.
GM1 gangliosidosis type 3. Also called: Beta-galactosidase deficiency; Adult GM1 gangliosidosis; Type 3 (adult) GM1 gangliosidosis; GM1-GANGLIOSIDOSIS, TYPE III; GANGLIOSIDOSIS, GENERALIZED GM1, ADULT TYPE; GANGLIOSIDOSIS, GENERALIZED GM1, CHRONIC TYPE. Identifiers: Orphanet 79257, MedGen C0268273, MONDO:0009262, OMIM 230650.

Submissions (2):

Natera, Inc.
Classification: Likely pathogenic for Mucopolysaccharidosis, MPS-IV-B. Last evaluated: 2024-06-25. Review status: criteria provided, single submitter. Criteria: Natera Variant Classification Schema (03/2026). Collection method: clinical testing. Allele origin: germline.
Comment: The c.1792C>T variant in GLB1 is a nonsense variant predicted to introduce a stop codon at amino acid 598. This variant is expected to result in nonsense mediated decay, truncation, or a dysfunctional protein product. This variant is rare in the general population with a frequency below the threshold expected for the associated phenotype(s). Given the available evidence, this variant is classified as Likely Pathogenic.

Fulgent Genetics
Classification: Likely pathogenic for Infantile GM1 gangliosidosis; GM1 gangliosidosis type 2; GM1 gangliosidosis type 3; Mucopolysaccharidosis, MPS-IV-B. Last evaluated: 2024-05-28. Review status: criteria provided, single submitter. Criteria: ACMG Guidelines, 2015. Collection method: clinical testing. Allele origin: germline.